The following is an entry in ClinVar:

ClinVar aggregate classification (germline): Uncertain significance (1 of 4 stars; one submission).

Submission:

Labcorp Genetics (formerly Invitae), Labcorp
Classification: Uncertain significance. Last evaluated: 2023-08-10. Review status: criteria provided, single submitter. Criteria: Invitae Variant Classification Sherloc (09022015). Collection method: clinical testing. Allele origin: germline.
Comment: In summary, the available evidence is currently insufficient to determine the role of this variant in disease. Therefore, it has been classified as a Variant of Uncertain Significance. Algorithms developed to predict the effect of missense changes on protein structure and function output the following: SIFT: "Not Available"; PolyPhen-2: "Benign"; Align-GVGD: "Not Available". The phenylalanine amino acid residue is found in multiple mammalian species, which suggests that this missense change does not adversely affect protein function. ClinVar contains an entry for this variant (Variation ID: 1420477). This variant has not been reported in the literature in individuals affected with TNFRSF6B-related conditions. This variant is not present in population databases (gnomAD no frequency). This sequence change replaces tyrosine, which is neutral and polar, with phenylalanine, which is neutral and non-polar, at codon 84 of the TNFRSF6B protein (p.Tyr84Phe).

NM_003823.4(TNFRSF6B):c.251A>T (p.Tyr84Phe)

Genes: RTEL1-TNFRSF6B (RTEL1-TNFRSF6B readthrough (NMD candidate); plus strand), TNFRSF6B (TNF receptor superfamily member 6b; plus strand). Cytogenetic location: 20q13.33.
Variant type: single nucleotide variant.
Coding change: c.251A>T on transcript NM_003823.4 (MANE Select); coding-DNA position 251, A replaced by T.
Protein change: p.Tyr84Phe; replaces tyrosine 84 with phenylalanine.
Molecular consequence: missense variant. On other transcripts: non-coding transcript variant (1).
Genome position (GRCh38, 1-based): chr20:63,697,018, A>T. VCF-style: chr20-63697018-A-T. GRCh37 (hg19) VCF-style: chr20-62328371-A-T.
Other names: short protein forms Y84F.
Identifiers: ClinVar variation 1420477 (VCV001420477.6), dbSNP rs2145487307, ClinGen allele CA409711059.